The following is an entry in ClinVar:

NM_000089.4(COL1A2):c.731G>A (p.Gly244Asp)

Gene: COL1A2 (collagen type I alpha 2 chain; plus strand). Cytogenetic location: 7q21.3.
Variant type: single nucleotide variant.
Coding change: c.731G>A on transcript NM_000089.4 (MANE Select); coding-DNA position 731, G replaced by A.
Protein change: p.Gly244Asp; replaces glycine 244 with aspartic acid.
Molecular consequence: missense variant.
Genome position (GRCh38, 1-based): chr7:94,408,373, G>A. VCF-style: chr7-94408373-G-A. GRCh37 (hg19) VCF-style: chr7-94037685-G-A.
Other names: short protein forms G244D.
Identifiers: ClinVar variation 648577 (VCV000648577.10), dbSNP rs1584318303, ClinGen allele CA368220404.
Genomic context (GRCh38, chr7:94,408,373, plus strand): 5'-TCTTCCCTTTATTTTCTTCTTAGGGTGCCCGTGGCAGTGATGGAAGTGTGGGTCCCGTGG[G>A]TCCTGCTGTAAGTTTTGACACTGGGGAGTTTGAAAGGAGTTGAGAATGTGGGGTGGGTGC-3'
Protein context (NP_000080.2, residues 234-254): RGSDGSVGPV[Gly244Asp]PAGPIGSAGP

ClinVar aggregate classification (germline): Pathogenic (1 of 4 stars; one submission).

Conditions:
Osteogenesis imperfecta type I (OI1). Also called: OI, TYPE I; OSTEOGENESIS IMPERFECTA TARDA; OSTEOGENESIS IMPERFECTA WITH BLUE SCLERAE; Osteogenesis imperfecta type 1; Classic Non-deforming Osteogenesis Imperfecta with Blue Sclerae; Lobstein's Disease. Identifiers: Orphanet 216796, Orphanet 666, MedGen C0023931, MONDO:0008146, OMIM 166200. Disease mechanism: loss of function.
Ehlers-Danlos syndrome, classic type, 1 (EDSCL1). Also called: EDS I; EHLERS-DANLOS SYNDROME, GRAVIS TYPE; EHLERS-DANLOS SYNDROME, SEVERE CLASSIC TYPE; Ehlers-Danlos Syndrome, Classic Type, COL5A1-Related; Ehlers-Danlos syndrome, type 1. Identifiers: MedGen C0268335, MONDO:0019567, OMIM 130000.

Submission:

Labcorp Genetics (formerly Invitae), Labcorp
Classification: Pathogenic for Osteogenesis imperfecta type I; Ehlers-Danlos syndrome, classic type, 1. Last evaluated: 2023-10-13. Review status: criteria provided, single submitter. Criteria: Invitae Variant Classification Sherloc (09022015). Collection method: clinical testing. Allele origin: germline.
Comment: This sequence change replaces glycine, which is neutral and non-polar, with aspartic acid, which is acidic and polar, at codon 244 of the COL1A2 protein (p.Gly244Asp). This variant is not present in population databases (gnomAD no frequency). This missense change has been observed in individual(s) with autosomal dominant osteogenesis imperfecta (Invitae). ClinVar contains an entry for this variant (Variation ID: 648577). Advanced modeling of protein sequence and biophysical properties (such as structural, functional, and spatial information, amino acid conservation, physicochemical variation, residue mobility, and thermodynamic stability) performed at Invitae indicates that this missense variant is expected to disrupt COL1A2 protein function. This variant disrupts the triple helix domain of COL1A2. Glycine residues within the Gly-Xaa-Yaa repeats of the triple helix domain are required for the structure and stability of fibrillar collagens (PMID: 7695699, 8218237, 19344236). In COL1A2, variants affecting these glycine residues are significantly enriched in individuals with disease (PMID: 9016532, 17078022) compared to the general population (ExAC). For these reasons, this variant has been classified as Pathogenic.

Literature cited by the submitters: PubMed 7695699; PubMed 8218237; PubMed 19344236; PubMed 9016532; PubMed 17078022.